The following is an entry in ClinVar:

NM_205836.3(FBXO38):c.1487A>G (p.Asn496Ser)

Gene: FBXO38 (F-box protein 38; plus strand). Cytogenetic location: 5q32.
Variant type: single nucleotide variant.
Coding change: c.1487A>G on transcript NM_205836.3 (MANE Select); coding-DNA position 1487, A replaced by G.
Protein change: p.Asn496Ser; replaces asparagine 496 with serine.
Molecular consequence: missense variant.
Genome position (GRCh38, 1-based): chr5:148,417,073, A>G. VCF-style: chr5-148417073-A-G. GRCh37 (hg19) VCF-style: chr5-147796636-A-G.
Other names: c.1487A>G, p.Asn496Ser (NM_001271723.2, NM_030793.5); c.1487A>G (NM_030793.4); short protein forms N496S.
Identifiers: ClinVar variation 1427120 (VCV001427120.7), dbSNP rs1315072548, ClinGen allele CA361659868.

ClinVar aggregate classification (germline): Uncertain significance. Review status: criteria provided, multiple submitters, no conflicts (2 of 4 stars). 2 submissions from 2 submitters: Uncertain significance (2). Last evaluated 2023-05-02.

Conditions:
Distal hereditary motor neuropathy type 2. Identifiers: Orphanet 139525, MedGen C3711384, MeSH C580044, MONDO:0015352.

Allele frequency attached by ClinVar (database versions not stated): gnomAD exomes below 0.00001; TOPMed 0.00002.
gnomAD v4.1: 2 of 1,613,684 alleles (0.00012%); highest among the groups gnomAD compares: East Asian, 0.0022%; no homozygotes.

Submissions (2):

GeneDx
Classification: Uncertain significance. Last evaluated: 2023-05-02. Review status: criteria provided, single submitter. Criteria: GeneDx Variant Classification Process June 2021. Collection method: clinical testing. Allele origin: germline. Affected: yes.
Comment: Not observed at significant frequency in large population cohorts (gnomAD); In silico analysis supports that this missense variant does not alter protein structure/function; Has not been previously published as pathogenic or benign to our knowledge; Variants in candidate genes are classified as variants of uncertain significance in accordance with ACMG guidelines (Richards et al., 2015)

Labcorp Genetics (formerly Invitae), Labcorp
Classification: Uncertain significance for Distal hereditary motor neuropathy type 2. Last evaluated: 2022-10-24. Review status: criteria provided, single submitter. Criteria: Invitae Variant Classification Sherloc (09022015). Collection method: clinical testing. Allele origin: germline.
Comment: This sequence change replaces asparagine, which is neutral and polar, with serine, which is neutral and polar, at codon 496 of the FBXO38 protein (p.Asn496Ser). This variant is not present in population databases (gnomAD no frequency). This variant has not been reported in the literature in individuals affected with FBXO38-related conditions. ClinVar contains an entry for this variant (Variation ID: 1427120). Advanced modeling of protein sequence and biophysical properties (such as structural, functional, and spatial information, amino acid conservation, physicochemical variation, residue mobility, and thermodynamic stability) has been performed at Invitae for this missense variant, however the output from this modeling did not meet the statistical confidence thresholds required to predict the impact of this variant on FBXO38 protein function. In summary, the available evidence is currently insufficient to determine the role of this variant in disease. Therefore, it has been classified as a Variant of Uncertain Significance.